The following is an entry in ClinVar:

ClinVar aggregate classification (germline): Likely pathogenic (1 of 4 stars; one submission).

Conditions:
Argininosuccinate lyase deficiency. Also called: Argininosuccinic aciduria; ARGININOSUCCINIC ACID LYASE DEFICIENCY; ASL DEFICIENCY. Identifiers: Orphanet 23, MedGen C0268547, MONDO:0008815, OMIM 207900, HP:0025630.

gnomAD v4.1: 7 of 1,611,300 alleles (0.00043%); highest among the groups gnomAD compares: Non-Finnish European, 0.00051%; no homozygotes.

Submission:

Labcorp Genetics (formerly Invitae), Labcorp
Classification: Likely pathogenic for Argininosuccinate lyase deficiency. Last evaluated: 2022-11-30. Review status: criteria provided, single submitter. Criteria: Invitae Variant Classification Sherloc (09022015). Collection method: clinical testing. Allele origin: germline.
Comment: Algorithms developed to predict the effect of sequence changes on RNA splicing suggest that this variant may disrupt the consensus splice site. This variant has not been reported in the literature in individuals affected with ASL-related conditions. This variant is not present in population databases (gnomAD no frequency). This sequence change affects an acceptor splice site in intron 3 of the ASL gene. It is expected to disrupt RNA splicing. Variants that disrupt the donor or acceptor splice site typically lead to a loss of protein function (PMID: 16199547), and loss-of-function variants in ASL are known to be pathogenic (PMID: 2263616, 24166829). In summary, the currently available evidence indicates that the variant is pathogenic, but additional data are needed to prove that conclusively. Therefore, this variant has been classified as Likely Pathogenic.

Literature cited by the submitters: PubMed 16199547; PubMed 2263616; PubMed 24166829.

NM_000048.4(ASL):c.208-1G>A

Gene: ASL (argininosuccinate lyase; plus strand). Cytogenetic location: 7q11.21.
Variant type: single nucleotide variant.
Coding change: c.208-1G>A on transcript NM_000048.4 (MANE Select); the canonical splice acceptor site of the intron before coding-DNA position 208, G replaced by A.
Molecular consequence: splice acceptor variant.
Genome position (GRCh38, 1-based): chr7:66,082,367, G>A. VCF-style: chr7-66082367-G-A. GRCh37 (hg19) VCF-style: chr7-65547354-G-A.
Other names: c.208-1G>A (NM_001024943.2, NM_001024944.2, NM_001024946.2).
Identifiers: ClinVar variation 2817684 (VCV002817684.3), dbSNP rs1487170309, ClinGen allele CA367638689.